The following is an entry in ClinVar:

ClinVar aggregate classification (germline): Pathogenic/Likely pathogenic. Review status: criteria provided, multiple submitters, no conflicts (2 of 4 stars). 2 submissions from 2 submitters: Pathogenic (1); Likely pathogenic (1). Last evaluated 2024-04-22.

Conditions:
Dilated cardiomyopathy 1G (CMD1G). Identifiers: Orphanet 154, MedGen C1858763, MONDO:0011400, OMIM 604145.
Autosomal recessive limb-girdle muscular dystrophy type 2J (LGMDR10). Also called: Limb-girdle muscular dystrophy, type 2J; MUSCULAR DYSTROPHY, LIMB-GIRDLE, AUTOSOMAL RECESSIVE 10. Identifiers: Orphanet 140922, MedGen C1837342, MONDO:0012127, OMIM 608807.

Submissions (2):

Labcorp Genetics (formerly Invitae), Labcorp
Classification: Likely pathogenic for Dilated cardiomyopathy 1G; Autosomal recessive limb-girdle muscular dystrophy type 2J. Last evaluated: 2024-04-22. Review status: criteria provided, single submitter. Criteria: Invitae Variant Classification Sherloc (09022015). Collection method: clinical testing. Allele origin: germline.
Comment: This sequence change creates a premature translational stop signal (p.Leu28515*) in the TTN gene. While this is not anticipated to result in nonsense mediated decay, it is expected to create a truncated TTN protein. This variant is not present in population databases (gnomAD no frequency). This variant has not been reported in the literature in individuals affected with TTN-related conditions. ClinVar contains an entry for this variant (Variation ID: 280190). This variant is located in the A band of TTN (PMID: 25589632). Truncating variants in this region are significantly overrepresented in patients affected with dilated cardiomyopathy (PMID: 25589632). Truncating variants in this region have also been reported in individuals affected with autosomal recessive centronuclear myopathy (PMID: 23975875). In summary, the currently available evidence indicates that the variant is pathogenic, but additional data are needed to prove that conclusively. Therefore, this variant has been classified as Likely Pathogenic.

GeneDx
Classification: Pathogenic. Last evaluated: 2017-01-11. Review status: criteria provided, single submitter. Criteria: GeneDx Variant Classification (06012015). Collection method: clinical testing. Allele origin: germline. Affected: yes.
Comment: The L26874X pathogenic variant in the TTN gene has not been reported previously as a pathogenic variant or as a benign variant, to our knowledge. L26874X is predicted to cause loss of normal protein function either due to production of an abnormal, prematurely truncated protein, or by absence of protein product due to nonsense mediated mRNA decay. Other truncating TTN variants have been reported in approximately 3% of control alleles (Herman et al., 2012). However, L26874X is located in the A-band region of titin, where the majority of truncating pathogenic variants associated with DCM have been reported (Herman et al., 2012). Furthermore, L26874X was not observed in approximately 6,000 individuals of European and African American ancestry in the NHLBI Exome Sequencing Project, indicating it is not a common benign variant in these populations.

Literature cited by the submitters: PubMed 25589632 (cited by Labcorp Genetics (formerly Invitae), Labcorp); PubMed 23975875 (cited by Labcorp Genetics (formerly Invitae), Labcorp).

NM_001267550.2(TTN):c.85544T>G (p.Leu28515Ter)

Genes: TTN-AS1 (TTN antisense RNA 1; plus strand), TTN (titin; minus strand). Cytogenetic location: 2q31.2.
Variant type: single nucleotide variant.
Coding change: c.85544T>G on transcript NM_001267550.2 (MANE Select); coding-DNA position 85544, T replaced by G.
Protein change: p.Leu28515Ter; replaces leucine 28515 with a stop codon.
Molecular consequence: nonsense.
Genome position (GRCh38, 1-based): chr2:178,560,588, A>C on the plus strand (T>G on the coding strand, the complement: TTN is on the minus strand). VCF-style: chr2-178560588-A-C. GRCh37 (hg19) VCF-style: chr2-179425315-A-C.
Other names: c.80621T>G, p.Leu26874Ter (NM_001256850.1); c.58349T>G, p.Leu19450Ter (NM_003319.4); c.77840T>G, p.Leu25947Ter (NM_133378.4); c.58724T>G, p.Leu19575Ter (NM_133432.3); c.58925T>G, p.Leu19642Ter (NM_133437.4); short protein forms L26874*, L28515*, L19450*, L19642*, L25947*, L19575*.
Identifiers: ClinVar variation 280190 (VCV000280190.10), dbSNP rs886041441, ClinGen allele CA10602832.